The following is an entry in ClinVar:

ClinVar aggregate classification (germline): Pathogenic (1 of 4 stars; one submission).

Conditions:
Intellectual developmental disorder, X-linked 19. Also called: Intellectual disability, X-linked 19. Identifiers: Orphanet 777, MedGen C0796225, MONDO:0010447, OMIM 300844.

Submission:

Solve-RD Consortium
Classification: Pathogenic for Intellectual developmental disorder, X-linked 19. Review status: criteria provided, single submitter. Criteria: ACMG Guidelines, 2015. Collection method: provider interpretation. Allele origin: germline. Inheritance: Autosomal dominant inheritance. Affected: yes. Study: Solve-RD DIFT-EpiCARE reanalysis.
Comment: PVS1, PM2, PS2

Variant identified during reanalysis of unsolved cases by the Solve-RD project. The Solve-RD project has received funding from the European Union’s Horizon 2020 research and innovation programme under grant agreement No 779257.

NM_004586.3(RPS6KA3):c.774+2T>A

Gene: RPS6KA3 (ribosomal protein S6 kinase A3; minus strand). Cytogenetic location: Xp22.12.
Variant type: single nucleotide variant.
Coding change: c.774+2T>A on transcript NM_004586.3 (MANE Select); the canonical splice donor site of the intron after coding-DNA position 774, T replaced by A.
Molecular consequence: splice donor variant.
Genome position (GRCh38, 1-based): chrX:20,187,826, A>T on the plus strand (T>A on the coding strand, the complement: RPS6KA3 is on the minus strand). VCF-style: chrX-20187826-A-T. GRCh37 (hg19) VCF-style: chrX-20205944-A-T.
Other names: c.690+2T>A (NM_001438340.1).
Identifiers: ClinVar variation 4890778 (VCV004890778.1).
Genomic context (GRCh38, chrX:20,187,826, plus strand): 5'-CACTGCTGATCCTCACTTAACAATCTCCTTCCCCTCTAAAAAATCCCAAATTCAAACCTT[A>T]CCATTAACACACCAAAAGACCACCAGTCAGCACTCTGAGTATGACCTCGACGATTAACTA-3'